The following is an entry in ClinVar:

ClinVar aggregate classification (germline): Uncertain significance. Review status: criteria provided, multiple submitters, no conflicts (2 of 4 stars). 2 submissions from 2 submitters: Uncertain significance (2). Last evaluated 2024-11-21.

Conditions:
Inborn genetic diseases. Identifiers: MedGen C0950123, MeSH D030342.

gnomAD v4.1: 1 of 1,613,856 alleles (0.000062%); highest among the groups gnomAD compares: Admixed American, 0.0017%; no homozygotes.

Submissions (2):

Ambry Genetics
Classification: Uncertain significance for Inborn genetic diseases. Last evaluated: 2024-11-21. Review status: criteria provided, single submitter. Criteria: Ambry Variant Classification Scheme 2023. Collection method: clinical testing. Allele origin: germline.
Comment: The p.N1064K variant (also known as c.3192T>A), located in coding exon 1 of the SAMD9 gene, results from a T to A substitution at nucleotide position 3192. The asparagine at codon 1064 is replaced by lysine, an amino acid with similar properties. This amino acid position is conserved. In addition, this alteration is predicted to be tolerated by in silico analysis. Based on the available evidence, the clinical significance of this variant remains unclear.

Labcorp Genetics (formerly Invitae), Labcorp
Classification: Uncertain significance. Last evaluated: 2024-10-01. Review status: criteria provided, single submitter. Criteria: Invitae Variant Classification Sherloc (09022015). Collection method: clinical testing. Allele origin: germline.
Comment: This sequence change replaces asparagine, which is neutral and polar, with lysine, which is basic and polar, at codon 1064 of the SAMD9 protein (p.Asn1064Lys). This variant is not present in population databases (gnomAD no frequency). This variant has not been reported in the literature in individuals affected with SAMD9-related conditions. Invitae Evidence Modeling of protein sequence and biophysical properties (such as structural, functional, and spatial information, amino acid conservation, physicochemical variation, residue mobility, and thermodynamic stability) indicates that this missense variant is not expected to disrupt SAMD9 protein function with a negative predictive value of 95%. In summary, the available evidence is currently insufficient to determine the role of this variant in disease. Therefore, it has been classified as a Variant of Uncertain Significance.

NM_017654.4(SAMD9):c.3192T>A (p.Asn1064Lys)

Gene: SAMD9 (sterile alpha motif domain containing 9; minus strand). Cytogenetic location: 7q21.2.
Variant type: single nucleotide variant.
Coding change: c.3192T>A on transcript NM_017654.4 (MANE Select); coding-DNA position 3192, T replaced by A.
Protein change: p.Asn1064Lys; replaces asparagine 1064 with lysine.
Molecular consequence: missense variant.
Genome position (GRCh38, 1-based): chr7:93,102,906, A>T on the plus strand (T>A on the coding strand, the complement: SAMD9 is on the minus strand). VCF-style: chr7-93102906-A-T. GRCh37 (hg19) VCF-style: chr7-92732219-A-T.
Other names: c.3192T>A, p.Asn1064Lys (NM_001193307.2); short protein forms N1064K.
Identifiers: ClinVar variation 3437007 (VCV003437007.3).